The following is an entry in ClinVar:

ClinVar aggregate classification (germline): Uncertain significance. Review status: criteria provided, multiple submitters, no conflicts (2 of 4 stars). 4 submissions from 4 submitters: Uncertain significance (4). Last evaluated 2026-09-08.

Conditions:
Fabry disease. Also called: ANDERSON-FABRY DISEASE; ALPHA-GALACTOSIDASE A DEFICIENCY; CERAMIDE TRIHEXOSIDASE DEFICIENCY; Fabry's disease; HEREDITARY DYSTOPIC LIPIDOSIS; Ceramide trihexosidosis. Identifiers: Orphanet 324, MedGen C0002986, MONDO:0010526, OMIM 301500, HP:0001071. Disease mechanism: Fabry disease is due to inactivating mutations in the X-linked GLA gene resulting in deficiency of the enzyme Alpha Galactosidase-A., loss of function.

Allele frequency attached by ClinVar (database versions not stated): gnomAD exomes below 0.00001 and 0.00002; TOPMed below 0.00001; ExAC 0.00001.
gnomAD v4.1: 4 of 1,183,507 alleles (0.00034%); highest among the groups gnomAD compares: Admixed American, 0.0087%; no homozygotes.

Submissions (4):

Genomenon, Inc
Classification: Uncertain significance for Fabry disease. Last evaluated: 2026-09-08. Review status: criteria provided, single submitter. Criteria: Genomenon Sequence Variant Interpretation Standards - Updated. Collection method: curation. Allele origin: germline. Affected: no.
Comment: GLA p.Arg193Ser (c.579G>C) is a missense variant that changes the amino acid at codon 193 from Arginine to Serine. This variant has been reported in the published literature (PMID:32023956). It is absent or not present at a significant frequency in gnomAD. In conclusion, we classify GLA p.Arg193Ser (c.579G>C) as a variant of uncertain significance.

Labcorp Genetics (formerly Invitae), Labcorp
Classification: Uncertain significance for Fabry disease. Last evaluated: 2025-02-19. Review status: criteria provided, single submitter. Criteria: Invitae Variant Classification Sherloc (09022015). Collection method: clinical testing. Allele origin: germline.
Comment: This sequence change replaces arginine, which is basic and polar, with serine, which is neutral and polar, at codon 193 of the GLA protein (p.Arg193Ser). This variant is present in population databases (rs782619655, gnomAD 0.01%). This variant has not been reported in the literature in individuals affected with GLA-related conditions. ClinVar contains an entry for this variant (Variation ID: 1505813). Invitae Evidence Modeling of protein sequence and biophysical properties (such as structural, functional, and spatial information, amino acid conservation, physicochemical variation, residue mobility, and thermodynamic stability) indicates that this missense variant is not expected to disrupt GLA protein function with a negative predictive value of 80%. In summary, the available evidence is currently insufficient to determine the role of this variant in disease. Therefore, it has been classified as a Variant of Uncertain Significance.

All of Us Research Program, National Institutes of Health
Classification: Uncertain significance for Fabry disease. Last evaluated: 2023-09-04. Review status: criteria provided, single submitter. Criteria: ACMG Guidelines, 2015. Collection method: clinical testing. Allele origin: germline. Inheritance: X-linked inheritance. Observed: 1 variant allele, 1 heterozygote.
Comment: This missense variant replaces arginine with serine at codon 193 of the GLA protein. Computational prediction suggests that this variant may not impact protein structure and function (internally defined REVEL score threshold <= 0.5, PMID: 27666373). To our knowledge, functional studies have not been reported for this variant. This variant has not been reported in individuals affected with GLA-related disorders in the literature. This variant has been identified in 3/181689 chromosomes in the general population by the Genome Aggregation Database (gnomAD). The available evidence is insufficient to determine the role of this variant in disease conclusively. Therefore, this variant is classified as a Variant of Uncertain Significance.

This study involves interpretation of variants in research participants for the purpose of population health screening. Participant phenotype was not available at the time of variant classification. Additional details can be found in publication PMID: 35346344, PMCID: PMC8962531

Color Diagnostics, LLC DBA Color Health
Classification: Uncertain significance for Fabry disease. Last evaluated: 2023-08-23. Review status: criteria provided, single submitter. Criteria: ACMG Guidelines, 2015. Collection method: clinical testing. Allele origin: germline.
Comment: This missense variant replaces arginine with serine at codon 193 of the GLA protein. Computational prediction suggests that this variant may not impact protein structure and function. To our knowledge, functional studies have not been reported for this variant. This variant has not been reported in individuals affected with GLA-related disorders in the literature. This variant has been identified in 3/181689 chromosomes in the general population by the Genome Aggregation Database (gnomAD). The available evidence is insufficient to determine the role of this variant in disease conclusively. Therefore, this variant is classified as a Variant of Uncertain Significance.

Literature cited by the submitters: PubMed 32023956 (cited by Genomenon, Inc).

NM_000169.3(GLA):c.579G>C (p.Arg193Ser)

Genes: GLA (galactosidase alpha; minus strand), RPL36A-HNRNPH2 (RPL36A-HNRNPH2 readthrough; plus strand). Cytogenetic location: Xq22.1.
Variant type: single nucleotide variant.
Coding change: c.579G>C on transcript NM_000169.3 (MANE Select); coding-DNA position 579, G replaced by C.
Protein change: p.Arg193Ser; replaces arginine 193 with serine.
Molecular consequence: missense variant. On other transcripts: non-coding transcript variant (2), intron variant (2).
Genome position (GRCh38, 1-based): chrX:101,400,726, C>G on the plus strand (G>C on the coding strand, the complement: GLA is on the minus strand). VCF-style: chrX-101400726-C-G. GRCh37 (hg19) VCF-style: chrX-100655714-C-G.
Other names: c.702G>C, p.Arg234Ser (NM_001406747.1); c.579G>C, p.Arg193Ser (NM_001406748.1); c.300+5269C>G (NM_001199973.2); c.177+8904C>G (NM_001199974.2); short protein forms R193S, R234S.
Identifiers: ClinVar variation 1505813 (VCV001505813.9), dbSNP rs782619655, ClinGen allele CA031434.